The following is an entry in ClinVar:

ClinVar aggregate classification (germline): Conflicting classifications of pathogenicity. Review status: criteria provided, conflicting classifications (1 of 4 stars). 20 submissions from 16 submitters: Uncertain significance (11); Benign (2); Likely benign (7). Last evaluated 2026-06-18.

Conditions:
TTN-related disorder. Also called: TTN-related disorders; TTN-related condition; TTN-related disease.
Cardiovascular phenotype. Identifiers: MedGen CN230736.
Dilated cardiomyopathy 1G (CMD1G). Identifiers: Orphanet 154, MedGen C1858763, MONDO:0011400, OMIM 604145.
Autosomal recessive limb-girdle muscular dystrophy type 2J (LGMDR10). Also called: Limb-girdle muscular dystrophy, type 2J; MUSCULAR DYSTROPHY, LIMB-GIRDLE, AUTOSOMAL RECESSIVE 10. Identifiers: Orphanet 140922, MedGen C1837342, MONDO:0012127, OMIM 608807.
Tibial muscular dystrophy (TMD). Also called: UDD MYOPATHY; Tibial muscular dystrophy, tardive; Udd Distal Myopathy – Tibial Muscular Dystrophy. Identifiers: Orphanet 609, MedGen C1838244, MONDO:0010870, OMIM 600334.
Early-onset myopathy with fatal cardiomyopathy (CMYO5). Also called: Salih Myopathy; CONGENITAL MYOPATHY 5 WITH CARDIOMYOPATHY. Identifiers: Orphanet 289377, MedGen C2673677, MONDO:0012714, OMIM 611705. Disease mechanism: loss of function.
Myopathy, myofibrillar, 9, with early respiratory failure (MFM9). Also called: Hereditary myopathy with early respiratory failure; MYOPATHY, PROXIMAL, WITH EARLY RESPIRATORY MUSCLE INVOLVEMENT; Myopathy, distal, with early respiratory failure, autosomal dominant; EDSTROM MYOPATHY. Identifiers: Orphanet 178464, Orphanet 34521, MedGen C1863599, MONDO:0011362, OMIM 603689.
Hypertrophic cardiomyopathy 9. Also called: Familial hypertrophic cardiomyopathy 9. Identifiers: MedGen C1861065, MONDO:0013412, OMIM 613765.
Cardiomyopathy (CMYO). Also called: Cardiomyopathies. Identifiers: Orphanet 167848, MedGen C0878544, MONDO:0004994, HP:0001638. Inheritance: Various modes of inheritance.

Allele frequency attached by ClinVar (database versions not stated): gnomAD 0.00030 and 0.00028; TOPMed 0.00032; gnomAD exomes 0.00014 and 0.00029; ESP Exome Variant Server 0.00017; 1000 Genomes Project 30x 0.00047; ExAC 0.00014; 1000 Genomes Project 0.00040.

Submissions (20):

Greenwood Genetic Center Diagnostic Laboratories, Greenwood Genetic Center
Classification: Uncertain significance. Last evaluated: 2026-06-18. Review status: criteria provided, single submitter. Criteria: ACMG Guidelines, 2015. Collection method: clinical testing. Allele origin: germline.
Comment: PM2, PP2

PreventionGenetics, part of Exact Sciences
Classification: Likely benign for TTN-related condition. Last evaluated: 2025-10-20. Review status: criteria provided, single submitter. Criteria: ACMG Guidelines, 2015. Collection method: clinical testing. Allele origin: germline.
Comment: This variant is classified as likely benign based on ACMG/AMP sequence variant interpretation guidelines (Richards et al. 2015 PMID: 25741868, with internal and published modifications).

CeGaT Center for Human Genetics Tuebingen
Classification: Likely benign. Last evaluated: 2025-09-01. Review status: criteria provided, single submitter. Criteria: CeGaT Center For Human Genetics Tuebingen Variant Classification Criteria Version 2. Collection method: clinical testing. Allele origin: germline. Affected: yes. Observed: 4 variant alleles.
Comment: TTN: BP1

Women's Health and Genetics/Laboratory Corporation of America, LabCorp
Classification: Likely benign. Last evaluated: 2025-06-10. Review status: criteria provided, single submitter. Criteria: LabCorp Variant Classification Summary - May 2015. Collection method: clinical testing. Allele origin: germline.
Comment: Variant summary: TTN c.72559T>C (p.Phe24187Leu) results in a non-conservative amino acid change located in the A-band of the encoded protein sequence. Algorithms developed to predict the effect of missense changes on protein structure and function all suggest that this variant is likely to be disruptive. The variant allele was found at a frequency of 0.0003 in 150910 control chromosomes, predominantly at a frequency of 0.00047 within the Non-Finnish European subpopulation in the gnomAD database. The observed variant frequency within Non-Finnish European control individuals in the gnomAD database is approximately 1.2 fold of the estimated maximal expected allele frequency for a pathogenic variant in TTN causing Dilated Cardiomyopathy phenotype (0.00039). c.72559T>C has been reported in the literature in individuals affected with Dilated Cardiomyopathy, Hypertrophic Cardiomyopathy, and Sudden Cardiac Death without evidence for causality (Haas_2015, Martinez-Barrios_2022, Mademont-Soler_2017, Campuzano_2015). These report(s) do not provide unequivocal conclusions about association of the variant with Dilated Cardiomyopathy. To our knowledge, no experimental evidence demonstrating an impact on protein function has been reported. The following publications have been ascertained in the context of this evaluation (PMID: 26516846, 25163546, 28771489, 35207729). ClinVar contains an entry for this variant (Variation ID: 96306). Based on the evidence outlined above, the variant was classified as likely benign.

Molecular Diagnostic Laboratory for Inherited Cardiovascular Disease, Montreal Heart Institute
Classification: Likely benign. Last evaluated: 2025-04-09. Review status: criteria provided, single submitter. Criteria: ACMG Guidelines, 2015. Collection method: clinical testing. Allele origin: germline. Affected: no.

Blueprint Genetics
Classification: Likely benign. Last evaluated: 2024-08-21. Review status: criteria provided, single submitter. Criteria: ACMG Guidelines, 2015. Collection method: clinical testing. Allele origin: germline.

Revvity Omics, Revvity
Classification: Uncertain significance. Last evaluated: 2024-05-22. Review status: criteria provided, single submitter. Criteria: ACMG Guidelines, 2015. Collection method: clinical testing. Allele origin: germline.

Department of Pathology and Laboratory Medicine, Sinai Health System
Classification: Uncertain significance for Tibial muscular dystrophy; Myopathy, myofibrillar, 9, with early respiratory failure; Dilated cardiomyopathy 1G; Autosomal recessive limb-girdle muscular dystrophy type 2J; Early-onset myopathy with fatal cardiomyopathy; Hypertrophic cardiomyopathy 9. Last evaluated: 2022-05-24. Review status: criteria provided, single submitter. Criteria: ACMG Guidelines, 2015. Collection method: research. Allele origin: germline.

Mayo Clinic Laboratories, Mayo Clinic
Classification: Uncertain significance. Last evaluated: 2020-08-31. Review status: criteria provided, single submitter. Criteria: ACMG Guidelines, 2015. Collection method: clinical testing. Allele origin: germline. Observed: 1 variant allele.

Ambry Genetics
Classification: Likely benign for Cardiovascular phenotype. Last evaluated: 2020-04-01. Review status: criteria provided, single submitter. Criteria: Ambry Variant Classification Scheme 2023. Collection method: clinical testing. Allele origin: germline.

Eurofins Ntd Llc (ga)
Classification: Uncertain significance. Last evaluated: 2018-05-31. Review status: criteria provided, single submitter. Criteria: EGL ClinVar v180209 classification definitions. Collection method: clinical testing. Allele origin: germline. Observed: 8 variant alleles, 8 heterozygotes.

CHEO Genetics Diagnostic Laboratory, Children's Hospital of Eastern Ontario
Classification: Likely benign for Cardiomyopathy. Last evaluated: 2018-02-09. Review status: criteria provided, single submitter. Criteria: ACMG Guidelines, 2015. Collection method: clinical testing. Allele origin: germline.

Illumina Laboratory Services, Illumina
Classification: Benign for Myopathy, myofibrillar, 9, with early respiratory failure. Last evaluated: 2018-01-12. Review status: criteria provided, single submitter. Criteria: ICSL Variant Classification Criteria 13 December 2019. Collection method: clinical testing. Allele origin: germline.
Comment: This variant was observed in the ICSL laboratory as part of a predisposition screen in an ostensibly healthy population. It had not been previously curated by ICSL or reported in the Human Gene Mutation Database (HGMD: prior to June 1st, 2018), and was therefore a candidate for classification through an automated scoring system. Utilizing variant allele frequency, disease prevalence and penetrance estimates, and inheritance mode, an automated score was calculated to assess if this variant is too frequent to cause the disease. Based on the score and internal cut-off values, a variant classified as benign is not then subjected to further curation. The score for this variant resulted in a classification of benign for this disease.

Illumina Laboratory Services, Illumina
Classification: Uncertain significance for Early-onset myopathy with fatal cardiomyopathy. Last evaluated: 2018-01-12. Review status: criteria provided, single submitter. Criteria: ICSL Variant Classification Criteria 13 December 2019. Collection method: clinical testing. Allele origin: germline.

Illumina Laboratory Services, Illumina
Classification: Uncertain significance for Dilated cardiomyopathy 1G. Last evaluated: 2018-01-12. Review status: criteria provided, single submitter. Criteria: ICSL Variant Classification Criteria 13 December 2019. Collection method: clinical testing. Allele origin: germline.

Illumina Laboratory Services, Illumina
Classification: Uncertain significance for Autosomal recessive limb-girdle muscular dystrophy type 2J. Last evaluated: 2018-01-12. Review status: criteria provided, single submitter. Criteria: ICSL Variant Classification Criteria 13 December 2019. Collection method: clinical testing. Allele origin: germline.

Illumina Laboratory Services, Illumina
Classification: Benign for Tibial muscular dystrophy. Last evaluated: 2018-01-12. Review status: criteria provided, single submitter. Criteria: ICSL Variant Classification Criteria 13 December 2019. Collection method: clinical testing. Allele origin: germline.
Comment: the same text as in the submission from Illumina Laboratory Services, Illumina above.

Labcorp Genetics (formerly Invitae), Labcorp
Classification: Uncertain significance for Dilated cardiomyopathy 1G; Autosomal recessive limb-girdle muscular dystrophy type 2J. Last evaluated: 2018-01-03. Review status: criteria provided, single submitter. Criteria: Invitae Variant Classification Sherloc (09022015). Collection method: clinical testing. Allele origin: germline.

GeneDx
Classification: Uncertain significance. Last evaluated: 2016-09-30. Review status: criteria provided, single submitter. Criteria: GeneDx Variant Classification (06012015). Collection method: clinical testing. Allele origin: germline. Affected: yes.
Comment: Missense variants in the TTN gene are considered 'unclassified' if they are not previously reported in the literature and do not have >1% frequency in the population to be considered a polymorphism. Research indicates that truncating mutations in the TTN gene are expected to account for approximately 25% of familial and 18% of sporadic idiopathic DCM; however, truncating variants in the TTN gene have been reported in approximately 3% of reported control alleles. There has been little investigation into non-truncating variants. (Herman D et al. Truncations of titin causing dilated cardiomyopathy. N Eng J Med 366:619-628, 2012) The variant is found in DCM panel(s).

Laboratory for Molecular Medicine, Mass General Brigham Personalized Medicine
Classification: Uncertain significance. Last evaluated: 2013-05-03. Review status: criteria provided, single submitter. Criteria: LMM Criteria. Collection method: clinical testing. Allele origin: germline. Observed: 1 variant allele.
Comment: The Phe24187Leu variant in TTN has not been reported in individuals with cardiom yopathy, but has been identified in 2/8230 European American chromosomes by the NHLBI Exome Sequencing Project (dbSNP rs20018 1804). Computational analyses (biochemical amino acid properties, conservation, AlignGVGD, and PolyPhen2) do not provide strong support for or against an impact to the protein. At this time, additional information is needed to fully assess the clinical significance of this variant.

Literature cited by the submitters: PubMed 25163546 (cited by Women's Health and Genetics/Laboratory Corporation of America, LabCorp and Ambry Genetics); PubMed 28771489 (cited by Women's Health and Genetics/Laboratory Corporation of America, LabCorp); PubMed 26516846 (cited by Women's Health and Genetics/Laboratory Corporation of America, LabCorp); PubMed 35207729 (cited by Women's Health and Genetics/Laboratory Corporation of America, LabCorp).

NM_001267550.2(TTN):c.80263T>C (p.Phe26755Leu)

Genes: TTN-AS1 (TTN antisense RNA 1; plus strand), TTN (titin; minus strand). Cytogenetic location: 2q31.2.
Variant type: single nucleotide variant.
Coding change: c.80263T>C on transcript NM_001267550.2 (MANE Select); coding-DNA position 80263, T replaced by C.
Protein change: p.Phe26755Leu; replaces phenylalanine 26755 with leucine.
Molecular consequence: missense variant.
Genome position (GRCh38, 1-based): chr2:178,565,869, A>G on the plus strand (T>C on the coding strand, the complement: TTN is on the minus strand). VCF-style: chr2-178565869-A-G. GRCh37 (hg19) VCF-style: chr2-179430596-A-G.
Other names: p.F25114L:TTC>CTC; c.75340T>C, p.Phe25114Leu (NM_001256850.1); c.53068T>C, p.Phe17690Leu (NM_003319.4); c.72559T>C, p.Phe24187Leu (NM_133378.4); c.53443T>C, p.Phe17815Leu (NM_133432.3); c.53644T>C, p.Phe17882Leu (NM_133437.4); short protein forms F24187L, F26755L, F25114L, F17690L, F17882L, F17815L.
Identifiers: ClinVar variation 96306 (VCV000096306.49), dbSNP rs200181804, ClinGen allele CA178482.
Genomic context (GRCh38, chr2:178,565,869, plus strand): 5'-CGGCATCAACAGTTTCCACTGGAACACCAACTCCAAATTCATTTTCAGCCATGACTCTGA[A>G]GTAATAAATGGCTCCTTCTGTAAGGTTTTCCACTTTAAAACTTGTTTTGCTGCATTTACT-3'
Protein context (NP_001254479.2, residues 26745-26765): ENLTEGAIYY[Phe26755Leu]RVMAENEFGV